The following is an entry in ClinVar:

ClinVar aggregate classification (germline): Uncertain significance (1 of 4 stars; one submission).

Submission:

GeneDx
Classification: Uncertain significance. Last evaluated: 2018-05-23. Review status: criteria provided, single submitter. Criteria: GeneDx Variant Classification (06012015). Collection method: clinical testing. Allele origin: germline. Affected: yes.
Comment: A variant of uncertain significance has been identified in the CLN8 gene. The F113L variant has not been published as a pathogenic variant, nor has it been reported as a benign variant to our knowledge. The F113L variant is not observed in large population cohorts (Lek et al., 2016). In-silico analyses, including protein predictors and evolutionary conservation, support a deleterious effect. However, the F113L variant is a conservative amino acid substitution, which is not likely to impact secondary protein structure as these residues share similar properties. Therefore, based on the currently available information, it is unclear whether this variant is a pathogenic variant or a rare benign variant.

NM_018941.4(CLN8):c.339C>G (p.Phe113Leu)

Gene: CLN8 (CLN8 transmembrane ER and ERGIC protein; plus strand). Cytogenetic location: 8p23.3.
Variant type: single nucleotide variant.
Coding change: c.339C>G on transcript NM_018941.4 (MANE Select); coding-DNA position 339, C replaced by G.
Protein change: p.Phe113Leu; replaces phenylalanine 113 with leucine.
Molecular consequence: missense variant.
Genome position (GRCh38, 1-based): chr8:1,771,393, C>G. VCF-style: chr8-1771393-C-G. GRCh37 (hg19) VCF-style: chr8-1719559-C-G.
Other names: short protein forms F113L.
Identifiers: ClinVar variation 546481 (VCV000546481.2), dbSNP rs1435706348, ClinGen allele CA369953356.